The following is an entry in ClinVar:

ClinVar aggregate classification (germline): Pathogenic/Likely pathogenic. Review status: criteria provided, multiple submitters, no conflicts (2 of 4 stars). 3 submissions from 3 submitters: Pathogenic (1); Likely pathogenic (2). Last evaluated 2023-08-31.

Conditions:
Progressive familial intrahepatic cholestasis (PFIC). Also called: Progressive intrahepatic cholestasis; Progressive family intrahepatic cholestasis. Identifiers: Orphanet 172, MedGen C0268312, MONDO:0015762.
Benign recurrent intrahepatic cholestasis type 1. Also called: SUMMERSKILL SYNDROME; Mild-to-Moderate ATP8B1 Deficiency (Benign Recurrent Intrahepatic Cholestasis 1 [BRIC1]). Identifiers: Orphanet 65682, Orphanet 99960, MedGen C4551899, MONDO:0009469, OMIM 243300.

Submissions (3):

Baylor Genetics
Classification: Likely pathogenic for Benign recurrent intrahepatic cholestasis type 1. Last evaluated: 2023-08-31. Review status: criteria provided, single submitter. Criteria: ACMG Guidelines, 2015. Collection method: clinical testing. Allele origin: unknown.

Labcorp Genetics (formerly Invitae), Labcorp
Classification: Pathogenic. Last evaluated: 2023-04-13. Review status: criteria provided, single submitter. Criteria: Invitae Variant Classification Sherloc (09022015). Collection method: clinical testing. Allele origin: germline.
Comment: This sequence change creates a premature translational stop signal (p.Leu404Metfs*6) in the ATP8B1 gene. It is expected to result in an absent or disrupted protein product. Loss-of-function variants in ATP8B1 are known to be pathogenic (PMID: 15239083, 22525741). This variant is not present in population databases (gnomAD no frequency). This variant has not been reported in the literature in individuals affected with ATP8B1-related conditions. For these reasons, this variant has been classified as Pathogenic.

Women's Health and Genetics/Laboratory Corporation of America, LabCorp
Classification: Likely pathogenic for Progressive familial intrahepatic cholestasis. Last evaluated: 2023-04-04. Review status: criteria provided, single submitter. Criteria: LabCorp Variant Classification Summary - May 2015. Collection method: clinical testing. Allele origin: germline.
Comment: Variant summary: ATP8B1 c.1210_1213delCTCT (p.Leu404MetfsX6) results in a premature termination codon, predicted to cause a truncation of the encoded protein or absence of the protein due to nonsense mediated decay, which are commonly known mechanisms for disease. Truncations downstream of this position have been classified as pathogenic by our laboratory. The variant was absent in 251322 control chromosomes (gnomAD). To our knowledge, no occurrence of c.1210_1213delCTCT in individuals affected with Familial Intrahepatic Cholestasis and no experimental evidence demonstrating its impact on protein function have been reported. No clinical diagnostic laboratories have submitted clinical-significance assessments for this variant to ClinVar after 2014. Based on the evidence outlined above, the variant was classified as likely pathogenic.

Literature cited by the submitters: PubMed 15239083 (cited by Labcorp Genetics (formerly Invitae), Labcorp); PubMed 22525741 (cited by Labcorp Genetics (formerly Invitae), Labcorp).

NM_001374385.1(ATP8B1):c.1210_1213del (p.Leu404fs)

Gene: ATP8B1 (ATPase phospholipid transporting 8B1; minus strand). Cytogenetic location: 18q21.31.
Variant type: Microsatellite.
Coding change: c.1210_1213del on transcript NM_001374385.1 (MANE Select); coding-DNA positions 1210 to 1213, 4 bases deleted (CTCT; older notation c.1210_1213delCTCT).
Protein change: p.Leu404fs; shifts the reading frame from leucine 404.
Molecular consequence: frameshift variant.
Genome position (GRCh38, 1-based): chr18:57,691,814-57,691,817, AGAG deleted on the plus strand (CTCT on the coding strand, the reverse complement: ATP8B1 is on the minus strand); deleting any 4 consecutive bases within chr18:57,691,814-57,691,822 gives the same sequence; the c. name uses the placement nearest the transcript's 3' end. VCF-style (leftmost placement, unchanged base first): chr18-57691813-TAGAG-T. GRCh37 (hg19) VCF-style: chr18-55359045-TAGAG-T.
Other names: c.1060_1063del, p.Leu354fs (NM_001374386.1); c.1210_1213del, p.Leu404fs (NM_005603.6); c.1210_1213delCTCT (NM_005603.4); short protein forms L354fs, L404fs.
Identifiers: ClinVar variation 2504019 (VCV002504019.5), dbSNP rs1912544280, ClinGen allele CA2306110451.